The following is an entry in ClinVar:

NM_001204.7(BMPR2):c.3032C>T (p.Ser1011Phe)

Gene: BMPR2 (bone morphogenetic protein receptor type 2; plus strand). Cytogenetic location: 2q33.2.
Variant type: single nucleotide variant.
Coding change: c.3032C>T on transcript NM_001204.7 (MANE Select); coding-DNA position 3032, C replaced by T.
Protein change: p.Ser1011Phe; replaces serine 1011 with phenylalanine.
Molecular consequence: missense variant.
Genome position (GRCh38, 1-based): chr2:202,559,861, C>T. VCF-style: chr2-202559861-C-T. GRCh37 (hg19) VCF-style: chr2-203424584-C-T.
Other names: short protein forms S1011F.
Identifiers: ClinVar variation 3992239 (VCV003992239.2).
Genomic context (GRCh38, chr2:202,559,861, plus strand): 5'-TCTCCACTGAATCGCTGGACTGTGAAGTCAACAATAATGGCAGTAACAGGGCAGTTCATT[C>T]CAAATCCAGCACTGCTGTTTACCTTGCAGAAGGAGGCACTGCTACAACCATGGTGTCTAA-3'
Protein context (NP_001195.2, residues 1001-1021): NNNGSNRAVH[Ser1011Phe]KSSTAVYLAE

ClinVar aggregate classification (germline): Uncertain significance (1 of 4 stars; one submission).

Conditions:
Inborn genetic diseases. Identifiers: MedGen C0950123, MeSH D030342.

Submission:

Ambry Genetics
Classification: Uncertain significance for Inborn genetic diseases. Last evaluated: 2025-09-23. Review status: criteria provided, single submitter. Criteria: Ambry Variant Classification Scheme 2023. Collection method: clinical testing. Allele origin: germline.
Comment: The p.S1011F variant (also known as c.3032C>T), located in coding exon 13 of the BMPR2 gene, results from a C to T substitution at nucleotide position 3032. The serine at codon 1011 is replaced by phenylalanine, an amino acid with highly dissimilar properties. This amino acid position is conserved. In addition, the in silico prediction for this alteration is inconclusive. Based on the available evidence, the clinical significance of this variant remains unclear.